The following is an entry in ClinVar:

NM_001018113.3(FANCB):c.330A>C (p.Leu110=)

Gene: FANCB (FA complementation group B; minus strand). Cytogenetic location: Xp22.2.
Variant type: single nucleotide variant.
Coding change: c.330A>C on transcript NM_001018113.3 (MANE Select); coding-DNA position 330, A replaced by C.
Protein change: p.Leu110=; no amino-acid change (leucine 110 retained).
Molecular consequence: synonymous variant.
Genome position (GRCh38, 1-based): chrX:14,865,181, T>G on the plus strand (A>C on the coding strand, the complement: FANCB is on the minus strand). VCF-style: chrX-14865181-T-G. GRCh37 (hg19) VCF-style: chrX-14883303-T-G.
Other names: c.330A>C, p.Leu110= (NM_001324162.2, NM_152633.4); c.330A>C (NM_152633.3).
Identifiers: ClinVar variation 456185 (VCV000456185.28), dbSNP rs201633684, ClinGen allele CA10353215.

ClinVar aggregate classification (germline): Benign/Likely benign. Review status: criteria provided, multiple submitters, no conflicts (2 of 4 stars). 6 submissions from 6 submitters: Benign (2); Likely benign (4). Last evaluated 2026-01-26.

Conditions:
Fanconi anemia complementation group B (FANCB). Also called: FANCONI PANCYTOPENIA, TYPE 2; FANCB-Related Fanconi Anemia. Identifiers: Orphanet 84, MedGen C1845292, MONDO:0010351, OMIM 300514.
VACTERL association, X-linked, with or without hydrocephalus (VACTERLX). Also called: VACTERL Association with Hydrocephalus, X-linked; X-linked VACTERL-H syndrome; VACTERL ASSOCIATION, X-LINKED; VACTERL-H, X-LINKED. Identifiers: Orphanet 3412, MedGen C2931228, MONDO:0010752, OMIM 314390.
Fanconi anemia (FA). Also called: Fanconi's anemia. Identifiers: Orphanet 84, MedGen C0015625, MeSH D005199, MONDO:0019391.

Allele frequency attached by ClinVar (database versions not stated): gnomAD 0.00008 and 0.00009; ESP Exome Variant Server 0.00009; gnomAD exomes 0.00011 and 0.00018; TOPMed 0.00011; ExAC 0.00021; 1000 Genomes Project 0.00053; 1000 Genomes Project 30x 0.00062.
gnomAD v4.1: 128 of 1,163,559 alleles (0.011%); highest among the groups gnomAD compares: Admixed American, 0.014%; no homozygotes.

Submissions (6):

Labcorp Genetics (formerly Invitae), Labcorp
Classification: Benign for Fanconi anemia. Last evaluated: 2026-01-26. Review status: criteria provided, single submitter. Criteria: Invitae Variant Classification Sherloc (09022015). Collection method: clinical testing. Allele origin: germline.

Laboratory of Genetics, Children's Clinical University Hospital Latvia
Classification: Likely benign. Last evaluated: 2025-02-16. Review status: criteria provided, single submitter. Criteria: ACMG Guidelines, 2015. Collection method: clinical testing. Allele origin: germline. Affected: yes.

Blueprint Genetics
Classification: Likely benign. Last evaluated: 2024-11-15. Review status: criteria provided, single submitter. Criteria: ACMG Guidelines, 2015. Collection method: clinical testing. Allele origin: germline.

CeGaT Center for Human Genetics Tuebingen
Classification: Likely benign. Last evaluated: 2024-09-01. Review status: criteria provided, single submitter. Criteria: CeGaT Center For Human Genetics Tuebingen Variant Classification Criteria Version 2. Collection method: clinical testing. Allele origin: germline. Affected: yes. Observed: 1 variant allele.
Comment: FANCB: BP4, BP7, BS2

KCCC/NGS Laboratory, Kuwait Cancer Control Center
Classification: Benign for Fanconi anemia complementation group B. Last evaluated: 2023-07-07. Review status: criteria provided, single submitter. Criteria: ACMG Guidelines, 2015. Collection method: clinical testing. Allele origin: germline. Affected: yes.

Fulgent Genetics
Classification: Likely benign for Fanconi anemia complementation group B; VACTERL association, X-linked, with or without hydrocephalus. Last evaluated: 2022-03-04. Review status: criteria provided, single submitter. Criteria: ACMG Guidelines, 2015. Collection method: clinical testing. Allele origin: unknown.